The following is an entry in ClinVar:

ClinVar aggregate classification (germline): Uncertain significance (1 of 4 stars; one submission).

Conditions:
Hereditary cancer-predisposing syndrome. Also called: Neoplastic Syndromes, Hereditary; Tumor predisposition; Hereditary neoplastic syndrome; Hereditary Cancer Syndrome. Identifiers: Orphanet 140162, MedGen C0027672, MeSH D009386, MONDO:0015356.

Submission:

Ambry Genetics
Classification: Uncertain significance for Hereditary cancer-predisposing syndrome. Last evaluated: 2026-08-04. Review status: criteria provided, single submitter. Criteria: Ambry Variant Classification Scheme 2023. Collection method: clinical testing. Allele origin: germline.
Comment: The p.N952I variant (also known as c.2855A>T), located in coding exon 20 of the PDGFRA gene, results from an A to T substitution at nucleotide position 2855. The asparagine at codon 952 is replaced by isoleucine, an amino acid with dissimilar properties. This amino acid position is conserved. In addition, the in silico prediction for this alteration is inconclusive. Based on the available evidence, the clinical significance of this variant remains unclear.

NM_006206.6(PDGFRA):c.2855A>T (p.Asn952Ile)

Gene: PDGFRA (platelet derived growth factor receptor alpha; plus strand). Cytogenetic location: 4q12.
Variant type: single nucleotide variant.
Coding change: c.2855A>T on transcript NM_006206.6 (MANE Select); coding-DNA position 2855, A replaced by T.
Protein change: p.Asn952Ile; replaces asparagine 952 with isoleucine.
Molecular consequence: missense variant.
Genome position (GRCh38, 1-based): chr4:54,289,089, A>T. VCF-style: chr4-54289089-A-T. GRCh37 (hg19) VCF-style: chr4-55155256-A-T.
Other names: c.2930A>T, p.Asn977Ile (NM_001347828.2); c.2855A>T, p.Asn952Ile (NM_001347829.2); c.2894A>T, p.Asn965Ile (NM_001347830.2); short protein forms N952I, N965I, N977I.
Identifiers: ClinVar variation 5026446 (VCV005026446.1).
Genomic context (GRCh38, chr4:54,289,089, plus strand): 5'-GCTGGAACAGTGAGCCGGAGAAGAGACCCTCCTTTTACCACCTGAGTGAGATTGTGGAGA[A>T]TCTGCTGCCTGGACAATATAAAAAGGTGTGTTTGGATCTGTGGGTGGAAAGGTCTGGATA-3'
Protein context (NP_006197.1, residues 942-962): SFYHLSEIVE[Asn952Ile]LLPGQYKKSY